The following is an entry in ClinVar:

NM_021971.4(GMPPB):c.951G>A (p.Trp317Ter)

Gene: GMPPB (GDP-mannose pyrophosphorylase B; minus strand). Cytogenetic location: 3p21.31.
Variant type: single nucleotide variant.
Coding change: c.951G>A on transcript NM_021971.4 (MANE Select); coding-DNA position 951, G replaced by A.
Protein change: p.Trp317Ter; replaces tryptophan 317 with a stop codon.
Molecular consequence: nonsense.
Genome position (GRCh38, 1-based): chr3:49,721,965, C>T on the plus strand (G>A on the coding strand, the complement: GMPPB is on the minus strand). VCF-style: chr3-49721965-C-T. GRCh37 (hg19) VCF-style: chr3-49759398-C-T.
Other names: c.951G>A, p.Trp317Ter (NM_013334.4); short protein forms W317*.
Identifiers: ClinVar variation 2125713 (VCV002125713.4), dbSNP rs2544752296, ClinGen allele CA352826728.

ClinVar aggregate classification (germline): Pathogenic (1 of 4 stars; one submission).

Conditions:
Muscular dystrophy-dystroglycanopathy (congenital with impaired intellectual development), type B, 14. Also called: Muscular dystrophy-dystroglycanopathy (congenital with intellectual disability), type B14; MUSCULAR DYSTROPHY, CONGENITAL, GMPPB-RELATED; Congenital muscular dystrophy-dystroglycanopathy with mental retardation, type B14. Identifiers: MedGen C3809221, MONDO:0014141, OMIM 615351.
Muscular dystrophy-dystroglycanopathy (congenital with brain and eye anomalies), type A14. Also called: WALKER-WARBURG SYNDROME OR MUSCLE-EYE-BRAIN DISEASE, GMPPB-RELATED; Muscular dystrophy-dystroglycanopathy (congenital with brain and eye anomalies), type a, 14; Congenital Muscular Dystrophy-Dystroglycanopathy with Brain and Eye Anomalies Type A 14; Congenital muscular dystrophy-dystroglycanopathy with brain and eye anomalies, type A14. Identifiers: Orphanet 588, MedGen C3809216, MONDO:0014140, OMIM 615350.
Autosomal recessive limb-girdle muscular dystrophy type 2T. Also called: MUSCULAR DYSTROPHY-DYSTROGLYCANOPATHY, LIMB-GIRDLE, GMPPB-RELATED; MUSCULAR DYSTROPHY, LIMB-GIRDLE, TYPE 2T; Muscular dystrophy-dystroglycanopathy (limb-girdle), type c, 14; Limb-girdle muscular dystrophy-dystroglycanopathy, type C14. Identifiers: Orphanet 363623, MedGen C4518000, MONDO:0014142, OMIM 615352.

Submission:

Labcorp Genetics (formerly Invitae), Labcorp
Classification: Pathogenic for Autosomal recessive limb-girdle muscular dystrophy type 2T; Muscular dystrophy-dystroglycanopathy (congenital with brain and eye anomalies), type A14; Muscular dystrophy-dystroglycanopathy (congenital with impaired intellectual development), type B, 14. Last evaluated: 2022-11-08. Review status: criteria provided, single submitter. Criteria: Invitae Variant Classification Sherloc (09022015). Collection method: clinical testing. Allele origin: germline.
Comment: For these reasons, this variant has been classified as Pathogenic. This variant disrupts a region of the GMPPB protein in which other variant(s) (p.Val330Ile) have been determined to be pathogenic (PMID: 23768512, 26310427, 27766311). This suggests that this is a clinically significant region of the protein, and that variants that disrupt it are likely to be disease-causing. Algorithms developed to predict the effect of sequence changes on RNA splicing suggest that this variant may disrupt the consensus splice site. This variant has not been reported in the literature in individuals affected with GMPPB-related conditions. This variant is not present in population databases (gnomAD no frequency). This sequence change creates a premature translational stop signal (p.Trp317*) in the GMPPB gene. While this is not anticipated to result in nonsense mediated decay, it is expected to disrupt the last 44 amino acid(s) of the GMPPB protein.

Literature cited by the submitters: PubMed 23768512; PubMed 26310427; PubMed 27766311.